The following is an entry in ClinVar:

NM_031476.4(CRISPLD2):c.576C>T (p.Asn192=)

Gene: CRISPLD2 (cysteine rich secretory protein LCCL domain containing 2; plus strand). Cytogenetic location: 16q24.1.
Variant type: single nucleotide variant.
Coding change: c.576C>T on transcript NM_031476.4 (MANE Select); coding-DNA position 576, C replaced by T.
Protein change: p.Asn192=; no amino-acid change (asparagine 192 retained).
Molecular consequence: synonymous variant.
Genome position (GRCh38, 1-based): chr16:84,850,651, C>T. VCF-style: chr16-84850651-C-T. GRCh37 (hg19) VCF-style: chr16-84884257-C-T.
Identifiers: ClinVar variation 3046859 (VCV003046859.2), dbSNP rs572744640, ClinGen allele CA8211596.

ClinVar aggregate classification (germline): Likely benign (0 of 4 stars; one submission).

Conditions:
CRISPLD2-related disorder. Also called: CRISPLD2-related condition.

Allele frequency attached by ClinVar (database versions not stated): gnomAD 0.00009; 1000 Genomes Project 30x 0.00016; 1000 Genomes Project 0.00020.
gnomAD v4.1: 129 of 1,614,054 alleles (0.008%); highest among the groups gnomAD compares: East Asian, 0.11%; no homozygotes.

Submission:

PreventionGenetics, part of Exact Sciences
Classification: Likely benign for CRISPLD2-related condition. Last evaluated: 2019-03-14. Review status: no assertion criteria provided. Collection method: clinical testing. Allele origin: germline.
Comment: This variant is classified as likely benign based on ACMG/AMP sequence variant interpretation guidelines (Richards et al. 2015 PMID: 25741868, with internal and published modifications).